The following is an entry in ClinVar:

NM_002693.3(POLG):c.152_166dup (p.Gln55_Pro56insGlnGlnGlnGlnGln)

Genes: POLG (DNA polymerase gamma, catalytic subunit; minus strand), POLGARF (POLG alternative reading frame; minus strand). Cytogenetic location: 15q26.1.
Variant type: Duplication.
Coding change: c.152_166dup on transcript NM_002693.3 (MANE Select); coding-DNA positions 152 to 166, 15 bases duplicated (AGCAGCAACAGCAGC).
Protein change: p.Gln55_Pro56insGlnGlnGlnGlnGln.
Molecular consequence: inframe insertion.
Genome position (GRCh38, 1-based): chr15:89,333,589-89,333,603, GCTGCTGTTGCTGCT duplicated on the plus strand (AGCAGCAACAGCAGC on the coding strand, the reverse complement: POLG is on the minus strand); duplicating any 15 consecutive bases within chr15:89,333,589-89,333,610 gives the same sequence; the c. name uses the placement nearest the transcript's 3' end. VCF-style (leftmost placement, unchanged base first): chr15-89333588-G-GGCTGCTGTTGCTGCT. GRCh37 (hg19) VCF-style: chr15-89876819-G-GGCTGCTGTTGCTGCT.
Other names: c.152_166dup, p.Gln55_Pro56insGlnGlnGlnGlnGln (NM_001126131.2).
Identifiers: ClinVar variation 2735356 (VCV002735356.3), dbSNP rs2509276797, ClinGen allele CA2697549352.

ClinVar aggregate classification (germline): Uncertain significance (1 of 4 stars; one submission).

Conditions:
Progressive sclerosing poliodystrophy (MTDPS4A). Also called: ALPERS PROGRESSIVE INFANTILE POLIODYSTROPHY; NEURONAL DEGENERATION OF CHILDHOOD WITH LIVER DISEASE, PROGRESSIVE; Alpers Syndrome; ALPERS DIFFUSE DEGENERATION OF CEREBRAL GRAY MATTER WITH HEPATIC CIRRHOSIS; Alpers-Huttenlocher Syndrome; Mitochondrial DNA depletion syndrome 4A (Alpers type). Identifiers: Orphanet 726, MedGen C0205710, MONDO:0008758, OMIM 203700.

Submission:

Labcorp Genetics (formerly Invitae), Labcorp
Classification: Uncertain significance for Progressive sclerosing poliodystrophy. Last evaluated: 2023-07-03. Review status: criteria provided, single submitter. Criteria: Invitae Variant Classification Sherloc (09022015). Collection method: clinical testing. Allele origin: germline.
Comment: This variant, c.152_166dup, results in the insertion of 5 amino acid(s) of the POLG protein (p.Gln51_Gln55dup), but otherwise preserves the integrity of the reading frame. In summary, the available evidence is currently insufficient to determine the role of this variant in disease. Therefore, it has been classified as a Variant of Uncertain Significance. This variant has not been reported in the literature in individuals affected with POLG-related conditions. This variant is not present in population databases (gnomAD no frequency).